The following is an entry in ClinVar:

NM_004453.4(ETFDH):c.1590A>G (p.Glu530=)

Gene: ETFDH (electron transfer flavoprotein dehydrogenase; plus strand). Cytogenetic location: 4q32.1.
Variant type: single nucleotide variant.
Coding change: c.1590A>G on transcript NM_004453.4 (MANE Select); coding-DNA position 1590, A replaced by G.
Protein change: p.Glu530=; no amino-acid change (glutamic acid 530 retained).
Molecular consequence: synonymous variant.
Genome position (GRCh38, 1-based): chr4:158,706,750, A>G. VCF-style: chr4-158706750-A-G. GRCh37 (hg19) VCF-style: chr4-159627902-A-G.
Other names: c.1449A>G, p.Glu483= (NM_001281737.2); c.1407A>G, p.Glu469= (NM_001281738.1).
Identifiers: ClinVar variation 347959 (VCV000347959.25), dbSNP rs143015234, ClinGen allele CA3122666.
Genomic context (GRCh38, chr4:158,706,750, plus strand): 5'-CGATGGACAGATCAGTTTTGACCTCTTGTCATCTGTGGCTCTGAGTGGTACTAATCATGA[A>G]CATGACCAGCCGGCACACTTAACCTTAAGGGATGACAGTATACCTGTAAATAGAAATCTG-3'
Protein context (NP_004444.2, residues 520-540): SSVALSGTNH[Glu530=]HDQPAHLTLR

ClinVar aggregate classification (germline): Benign/Likely benign. Review status: criteria provided, multiple submitters, no conflicts (2 of 4 stars). 7 submissions from 7 submitters: Benign (1); Likely benign (3). 3 of the submissions do not count toward it. Last evaluated 2026-02-01.

Conditions:
ETFDH-related disorder. Also called: ETFDH-related condition.
Multiple acyl-CoA dehydrogenase deficiency (MADD). Also called: GA II; Glutaric Acidemia type 2; ETHYLMALONIC-ADIPICACIDURIA; Glutaric acidemia type II; GA 2; Glutaric aciduria, type 2. Identifiers: Orphanet 26791, MedGen C0268596, MONDO:0009282, OMIM 231680.

Allele frequency attached by ClinVar (database versions not stated): gnomAD exomes 0.00011 and 0.00029; ExAC 0.00031; ESP Exome Variant Server 0.00062; gnomAD 0.00107 and 0.00114; TOPMed 0.00126; 1000 Genomes Project 30x 0.00156; 1000 Genomes Project 0.00160.
gnomAD v4.1: 326 of 1,613,992 alleles (0.02%); highest among the groups gnomAD compares: African/African-American, 0.39%; no homozygotes.

Submissions (7):

Labcorp Genetics (formerly Invitae), Labcorp
Classification: Benign for Multiple acyl-CoA dehydrogenase deficiency. Last evaluated: 2026-02-01. Review status: criteria provided, single submitter. Criteria: Invitae Variant Classification Sherloc (09022015). Collection method: clinical testing. Allele origin: germline.

Blueprint Genetics
Classification: Likely benign. Last evaluated: 2023-06-16. Review status: criteria provided, single submitter. Criteria: ACMG Guidelines, 2015. Collection method: clinical testing. Allele origin: germline.

GeneDx
Classification: Likely benign. Last evaluated: 2021-04-23. Review status: criteria provided, single submitter. Criteria: GeneDx Variant Classification Process June 2021. Collection method: clinical testing. Allele origin: germline. Affected: yes.

Illumina Laboratory Services, Illumina
Classification: Likely benign for Multiple acyl-CoA dehydrogenase deficiency. Last evaluated: 2018-01-13. Review status: criteria provided, single submitter. Criteria: ICSL Variant Classification Criteria 13 December 2019. Collection method: clinical testing. Allele origin: germline.
Comment: This variant was observed in the ICSL laboratory as part of a predisposition screen in an ostensibly healthy population. It had not been previously curated by ICSL or reported in the Human Gene Mutation Database (HGMD: prior to June 1st, 2018), and was therefore a candidate for classification through an automated scoring system. Utilizing variant allele frequency, disease prevalence and penetrance estimates, and inheritance mode, an automated score was calculated to assess if this variant is too frequent to cause the disease. Based on the score and internal cut-off values, a variant classified as likely benign is not then subjected to further curation. The score for this variant resulted in a classification of likely benign for this disease.

Natera, Inc.
Classification: Likely benign for Glutaric aciduria type 2. Last evaluated: 2020-04-21. Review status: no assertion criteria provided. Collection method: clinical testing. Allele origin: germline. Not counted in ClinVar's aggregate classification.

PreventionGenetics, part of Exact Sciences
Classification: Likely benign for ETFDH-related condition. Last evaluated: 2020-01-13. Review status: no assertion criteria provided. Collection method: clinical testing. Allele origin: germline. Not counted in ClinVar's aggregate classification.
Comment: This variant is classified as likely benign based on ACMG/AMP sequence variant interpretation guidelines (Richards et al. 2015 PMID: 25741868, with internal and published modifications).

Mayo Clinic Laboratories, Mayo Clinic
Classification: Likely benign. Last evaluated: 2017-09-15. Review status: no assertion criteria provided. Collection method: clinical testing. Allele origin: unknown. Not counted in ClinVar's aggregate classification.